The following is an entry in ClinVar:

NM_004738.5(VAPB):c.178A>G (p.Ile60Val)

Gene: VAPB (VAMP associated protein B and C; plus strand). Cytogenetic location: 20q13.32.
Variant type: single nucleotide variant.
Coding change: c.178A>G on transcript NM_004738.5 (MANE Select); coding-DNA position 178, A replaced by G.
Protein change: p.Ile60Val; replaces isoleucine 60 with valine.
Molecular consequence: missense variant. On other transcripts: non-coding transcript variant (1).
Genome position (GRCh38, 1-based): chr20:58,418,330, A>G. VCF-style: chr20-58418330-A-G. GRCh37 (hg19) VCF-style: chr20-56993386-A-G.
Other names: c.178A>G, p.Ile60Val (NM_001195677.2); short protein forms I60V.
Identifiers: ClinVar variation 2062172 (VCV002062172.4), dbSNP rs2516033071, ClinGen allele CA409442710.
Genomic context (GRCh38, chr20:58,418,330, plus strand): 5'-GTGTGTTTTAAGGTGAAGACTACAGCACCACGTAGGTACTGTGTGAGGCCCAACAGCGGA[A>G]TCATCGATGCAGGGGCCTCAATTAATGTATCTGGTAAGTCCTGAGACTGGAGGCCTAGAG-3'
Protein context (NP_004729.1, residues 50-70): RRYCVRPNSG[Ile60Val]IDAGASINVS

ClinVar aggregate classification (germline): Uncertain significance (1 of 4 stars; one submission).

Conditions:
Amyotrophic lateral sclerosis type 8 (ALS8). Identifiers: Orphanet 803, MedGen C1837728, MONDO:0012077, OMIM 608627.
Adult-onset proximal spinal muscular atrophy, autosomal dominant. Also called: Spinal muscular atrophy, late-onset, finkel type; FINKEL LATE-ADULT TYPE SMA. Identifiers: Orphanet 209335, MedGen C1854058, MONDO:0008453, OMIM 182980.

Allele frequency attached by ClinVar (database versions not stated): gnomAD exomes below 0.00001.

Submission:

Labcorp Genetics (formerly Invitae), Labcorp
Classification: Uncertain significance for Adult-onset proximal spinal muscular atrophy, autosomal dominant; Amyotrophic lateral sclerosis type 8. Last evaluated: 2025-02-05. Review status: criteria provided, single submitter. Criteria: Invitae Variant Classification Sherloc (09022015). Collection method: clinical testing. Allele origin: germline.
Comment: This sequence change replaces isoleucine, which is neutral and non-polar, with valine, which is neutral and non-polar, at codon 60 of the VAPB protein (p.Ile60Val). This variant is not present in population databases (gnomAD no frequency). This variant has not been reported in the literature in individuals affected with VAPB-related conditions. ClinVar contains an entry for this variant (Variation ID: 2062172). Invitae Evidence Modeling of protein sequence and biophysical properties (such as structural, functional, and spatial information, amino acid conservation, physicochemical variation, residue mobility, and thermodynamic stability) indicates that this missense variant is not expected to disrupt VAPB protein function with a negative predictive value of 80%. In summary, the available evidence is currently insufficient to determine the role of this variant in disease. Therefore, it has been classified as a Variant of Uncertain Significance.